The following is an entry in ClinVar:

ClinVar aggregate classification (germline): Likely benign. Review status: criteria provided, multiple submitters, no conflicts (2 of 4 stars). 2 submissions from 2 submitters: Likely benign (2). Last evaluated 2025-11-24.

Allele frequency attached by ClinVar (database versions not stated): ExAC 0.00005; gnomAD exomes 0.00008 and 0.00014; gnomAD 0.00009 and 0.00010; TOPMed 0.00011; 1000 Genomes Project 30x 0.00016; 1000 Genomes Project 0.00020; ESP Exome Variant Server 0.00023.
gnomAD v4.1: 229 of 1,614,168 alleles (0.014%); highest among the groups gnomAD compares: Non-Finnish European, 0.017%; no homozygotes.

Submissions (2):

Labcorp Genetics (formerly Invitae), Labcorp
Classification: Likely benign. Last evaluated: 2025-11-24. Review status: criteria provided, single submitter. Criteria: Invitae Variant Classification Sherloc (09022015). Collection method: clinical testing. Allele origin: germline.

CeGaT Center for Human Genetics Tuebingen
Classification: Likely benign. Last evaluated: 2022-05-01. Review status: criteria provided, single submitter. Criteria: CeGaT Center For Human Genetics Tuebingen Variant Classification Criteria Version 2. Collection method: clinical testing. Allele origin: germline. Affected: yes. Observed: 2 variant alleles.
Comment: ARHGEF10: BP4, BP7

NM_014629.4(ARHGEF10):c.2493G>A (p.Glu831=)

Gene: ARHGEF10 (Rho guanine nucleotide exchange factor 10; plus strand). Cytogenetic location: 8p23.3.
Variant type: single nucleotide variant.
Coding change: c.2493G>A on transcript NM_014629.4 (MANE Select); coding-DNA position 2493, G replaced by A.
Protein change: p.Glu831=; no amino-acid change (glutamic acid 831 retained).
Molecular consequence: synonymous variant.
Genome position (GRCh38, 1-based): chr8:1,925,287, G>A. VCF-style: chr8-1925287-G-A. GRCh37 (hg19) VCF-style: chr8-1873453-G-A.
Other names: c.2379G>A, p.Glu793= (NM_001308152.2); c.2493G>A, p.Glu831= (NM_001308153.3).
Identifiers: ClinVar variation 1176257 (VCV001176257.41), dbSNP rs150986504, ClinGen allele CA4600911.